The following is an entry in ClinVar:

NM_000321.3(RB1):c.800T>C (p.Leu267Pro)

Gene: RB1 (RB transcriptional corepressor 1; plus strand). Cytogenetic location: 13q14.2.
Variant type: single nucleotide variant.
Coding change: c.800T>C on transcript NM_000321.3 (MANE Select); coding-DNA position 800, T replaced by C.
Protein change: p.Leu267Pro; replaces leucine 267 with proline.
Molecular consequence: missense variant.
Genome position (GRCh38, 1-based): chr13:48,362,896, T>C. VCF-style: chr13-48362896-T-C. GRCh37 (hg19) VCF-style: chr13-48937032-T-C.
Other names: c.800T>C, p.Leu267Pro (NM_001407165.1, NM_001407166.1); short protein forms L267P.
Identifiers: ClinVar variation 2901567 (VCV002901567.4), dbSNP rs2138112534, ClinGen allele CA388159483.
Genomic context (GRCh38, chr13:48,362,896, plus strand): 5'-ATGGTTCACCTCGAACACCCAGGCGAGGTCAGAACAGGAGTGCACGGATAGCAAAACAAC[T>C]AGAAAATGATACAAGAATTATTGAAGTTCTCTGTAAAGAACATGAATGTAATATAGATGA-3'
Protein context (NP_000312.2, residues 257-277): QNRSARIAKQ[Leu267Pro]ENDTRIIEVL

ClinVar aggregate classification (germline): Uncertain significance. Review status: criteria provided, multiple submitters, no conflicts (2 of 4 stars). 2 submissions from 2 submitters: Uncertain significance (2). Last evaluated 2026-03-31.

Conditions:
Hereditary cancer-predisposing syndrome. Also called: Hereditary neoplastic syndrome; Neoplastic Syndromes, Hereditary; Tumor predisposition; Hereditary Cancer Syndrome. Identifiers: Orphanet 140162, MedGen C0027672, MeSH D009386, MONDO:0015356.
Retinoblastoma (RB1). Also called: RETINOBLASTOMA, SOMATIC. Identifiers: Orphanet 790, MedGen C0035335, MeSH D012175, MONDO:0008380, OMIM 180200, HP:0009919. Disease mechanism: loss of function. Inheritance: Both sporadic and heritable forms are tested..

Allele frequency attached by ClinVar (database versions not stated): gnomAD exomes below 0.00001.
gnomAD v4.1: 4 of 1,613,824 alleles (0.00025%); highest among the groups gnomAD compares: Non-Finnish European, 0.00034%; no homozygotes.

Submissions (2):

Ambry Genetics
Classification: Uncertain significance for Hereditary cancer-predisposing syndrome. Last evaluated: 2026-03-31. Review status: criteria provided, single submitter. Criteria: Ambry Variant Classification Scheme 2023. Collection method: clinical testing. Allele origin: germline.
Comment: The p.L267P variant (also known as c.800T>C), located in coding exon 8 of the RB1 gene, results from a T to C substitution at nucleotide position 800. The leucine at codon 267 is replaced by proline, an amino acid with similar properties. This amino acid position is conserved. In addition, this alteration is predicted to be tolerated by in silico analysis. Based on the available evidence, the clinical significance of this variant remains unclear.

Labcorp Genetics (formerly Invitae), Labcorp
Classification: Uncertain significance for Retinoblastoma. Last evaluated: 2023-02-08. Review status: criteria provided, single submitter. Criteria: Invitae Variant Classification Sherloc (09022015). Collection method: clinical testing. Allele origin: germline.
Comment: This sequence change replaces leucine, which is neutral and non-polar, with proline, which is neutral and non-polar, at codon 267 of the RB1 protein (p.Leu267Pro). This variant is not present in population databases (gnomAD no frequency). This variant has not been reported in the literature in individuals affected with RB1-related conditions. Advanced modeling of protein sequence and biophysical properties (such as structural, functional, and spatial information, amino acid conservation, physicochemical variation, residue mobility, and thermodynamic stability) performed at Invitae indicates that this missense variant is not expected to disrupt RB1 protein function. In summary, the available evidence is currently insufficient to determine the role of this variant in disease. Therefore, it has been classified as a Variant of Uncertain Significance.